The following is an entry in ClinVar:

NM_004700.4(KCNQ4):c.1130+4G>C

Gene: KCNQ4 (potassium voltage-gated channel subfamily Q member 4; plus strand). Cytogenetic location: 1p34.2.
Variant type: single nucleotide variant.
Coding change: c.1130+4G>C on transcript NM_004700.4 (MANE Select); 4 bases into the intron after coding-DNA position 1130, G replaced by C.
Molecular consequence: intron variant.
Genome position (GRCh38, 1-based): chr1:40,822,406, G>C. VCF-style: chr1-40822406-G-C. GRCh37 (hg19) VCF-style: chr1-41288078-G-C.
Other names: c.1130+4G>C (NM_172163.3).
Identifiers: ClinVar variation 2838314 (VCV002838314.3), dbSNP rs1420341515, ClinGen allele CA417358031.

ClinVar aggregate classification (germline): Uncertain significance (1 of 4 stars; one submission).

Allele frequency attached by ClinVar (database versions not stated): gnomAD exomes below 0.00001; TOPMed below 0.00001.
gnomAD v4.1: 1 of 1,570,574 alleles (0.000064%); highest among the groups gnomAD compares: Admixed American, 0.0017%; no homozygotes.

Submission:

Labcorp Genetics (formerly Invitae), Labcorp
Classification: Uncertain significance. Last evaluated: 2023-02-16. Review status: criteria provided, single submitter. Criteria: Invitae Variant Classification Sherloc (09022015). Collection method: clinical testing. Allele origin: germline.
Comment: Variants that disrupt the consensus splice site are a relatively common cause of aberrant splicing (PMID: 17576681, 9536098). Algorithms developed to predict the effect of sequence changes on RNA splicing suggest that this variant is not likely to affect RNA splicing. In summary, the available evidence is currently insufficient to determine the role of this variant in disease. Therefore, it has been classified as a Variant of Uncertain Significance. This variant has not been reported in the literature in individuals affected with KCNQ4-related conditions. This sequence change falls in intron 8 of the KCNQ4 gene. It does not directly change the encoded amino acid sequence of the KCNQ4 protein. It affects a nucleotide within the consensus splice site. This variant is present in population databases (no rsID available, gnomAD 0.003%).

Literature cited by the submitters: PubMed 17576681; PubMed 9536098.